The following is an entry in ClinVar:

ClinVar aggregate classification (germline): Pathogenic (1 of 4 stars; one submission).

Conditions:
X-linked Alport syndrome (ATS1). Also called: COL4A5-Related Nephropathy; NEPHROPATHY AND DEAFNESS, X-LINKED. Identifiers: Orphanet 63, Orphanet 88917, MedGen C4746986, MONDO:0010520, OMIM 301050.

Submission:

MVZ Medizinische Genetik Mainz
Classification: Pathogenic for X-linked Alport syndrome. Last evaluated: 2023-10-31. Review status: criteria provided, single submitter. Criteria: UK Practice Guidelines For Variant Classification V4 01 2020. Collection method: clinical testing. Allele origin: germline. Inheritance: X-linked dominant inheritance. Affected: yes. Observed: 1 variant allele.
Comment: ACMG Criteria: PVS1,PM2_SUP,PP4

NM_033380.3(COL4A5):c.2998G>T (p.Gly1000Ter)

Gene: COL4A5 (collagen type IV alpha 5 chain; plus strand). Cytogenetic location: Xq22.3.
Variant type: single nucleotide variant.
Coding change: c.2998G>T on transcript NM_033380.3 (MANE Select); coding-DNA position 2998, G replaced by T.
Protein change: p.Gly1000Ter; replaces glycine 1000 with a stop codon.
Molecular consequence: nonsense.
Genome position (GRCh38, 1-based): chrX:108,624,316, G>T. VCF-style: chrX-108624316-G-T. GRCh37 (hg19) VCF-style: chrX-107867546-G-T.
Other names: c.2998G>T, p.Gly1000Ter (NM_000495.5); short protein forms G1000*.
Identifiers: ClinVar variation 3066178 (VCV003066178.1), dbSNP rs2067110688, ClinGen allele CA413853613.
Genomic context (GRCh38, chrX:108,624,316, plus strand): 5'-CCAAAAGGTTATCAGGGTTTGCCTGGAGACCCAGGGCAACCTGGACTGAGTGGACAACCT[G>T]GATTACCAGGACCACCAGGTAAGTGTGATAGGCCATTTGTAGCAATTGCTTAGCTGACAC-3'